The following is an entry in ClinVar:

NM_025114.4(CEP290):c.329_333del (p.Thr110fs)

Gene: CEP290 (centrosomal protein 290; minus strand). Cytogenetic location: 12q21.32.
Variant type: Deletion.
Coding change: c.329_333del on transcript NM_025114.4 (MANE Select); coding-DNA positions 329 to 333, 5 bases deleted (CTCGG; older notation c.329_333delCTCGG).
Protein change: p.Thr110fs; shifts the reading frame from threonine 110.
Molecular consequence: frameshift variant.
Genome position (GRCh38, 1-based): chr12:88,136,751-88,136,755, CCGAG deleted on the plus strand (CTCGG on the coding strand, the reverse complement: CEP290 is on the minus strand). VCF-style (leftmost placement, unchanged base first): chr12-88136750-ACCGAG-A. GRCh37 (hg19) VCF-style: chr12-88530527-ACCGAG-A.
Other names: short protein forms T110fs.
Identifiers: ClinVar variation 5016267 (VCV005016267.1).

ClinVar aggregate classification (germline): Pathogenic (1 of 4 stars; one submission).

Conditions:
CEP290-related ciliopathy. Also called: CEP290 ciliopathy. Identifiers: MedGen CN305601, MONDO:0100451.

Submission:

Myriad Genetics, Inc.
Classification: Pathogenic for CEP290-related ciliopathy. Last evaluated: 2026-08-24. Review status: criteria provided, single submitter. Criteria: Myriad Autosomal Dominant, Autosomal Recessive and X-Linked Classification Criteria (2023). Collection method: clinical testing. Allele origin: unknown.
Comment: NM_025114.3(CEP290):c.329_333del5(T110Ifs*4) is expected to be pathogenic in the context of CEP290-related disorders. This variant is predicted to lead to an abnormal or absent protein product due to the creation of a premature termination codon in CEP290, a gene where loss-of-function variants are known to be pathogenic. Please note: this variant was assessed in the context of healthy population screening.